The following is an entry in ClinVar:

NM_025216.3(WNT10A):c.637G>A (p.Gly213Ser)

Gene: WNT10A (Wnt family member 10A; plus strand). Cytogenetic location: 2q35.
Variant type: single nucleotide variant.
Coding change: c.637G>A on transcript NM_025216.3 (MANE Select); coding-DNA position 637, G replaced by A.
Protein change: p.Gly213Ser; replaces glycine 213 with serine.
Molecular consequence: missense variant.
Genome position (GRCh38, 1-based): chr2:218,890,244, G>A. VCF-style: chr2-218890244-G-A. GRCh37 (hg19) VCF-style: chr2-219754966-G-A.
Other names: WNT10A, GLY213SER (rs147680216); short protein forms G213S.
Identifiers: ClinVar variation 139576 (VCV000139576.30), dbSNP rs147680216, ClinGen allele CA211313.

ClinVar aggregate classification (germline): Conflicting classifications of pathogenicity. Review status: criteria provided, conflicting classifications (1 of 4 stars). 12 submissions from 9 submitters: Pathogenic (1); Likely pathogenic (2); Uncertain significance (1); Benign (3); Likely benign (1). 4 of the submissions do not count toward it. Last evaluated 2026-09-28.

Conditions:
WNT10A-related disorder. Also called: WNT10A-related disorders; WNT10A-related condition.
Odonto-onycho-dermal dysplasia. Identifiers: Orphanet 2721, MedGen C0796093, MONDO:0009773, OMIM 257980.
Tooth agenesis, selective, 4 (STHAG4). Also called: LATERAL INCISORS, ABSENCE OF; LATERAL INCISORS, PEGGED OR MISSING; SUCCEDANEOUS TEETH, AGENESIS OF; TOOTH AGENESIS, SELECTIVE, 4, WITH OR WITHOUT ECTODERMAL DYSPLASIA. Identifiers: Orphanet 99798, MedGen C1835492, MONDO:0007881, OMIM 150400. Disease mechanism: loss of function.
Tooth agenesis, selective, 2. Also called: HYPODONTIA/OLIGODONTIA 2; STHAG2. Identifiers: MedGen C1865092, MONDO:0011265, OMIM 602639.
Schöpf-Schulz-Passarge syndrome. Also called: ECCRINE TUMORS WITH ECTODERMAL DYSPLASIA; KERATOSIS PALMOPLANTARIS WITH CYSTIC EYELIDS, HYPODONTIA, AND HYPOTRICHOSIS; SchC6pf-Schulz-Passarge syndrome. Identifiers: Orphanet 50944, MedGen C1857069, MONDO:0009145, OMIM 224750.
Tooth agenesis. Also called: Decreased number of teeth; Reduced number of teeth; Decreased tooth count; Failure of development of some teeth; Fewer teeth than normal; Missing some teeth. Identifiers: MedGen C4024202, HP:0009804, MONDO:0005486.

Allele frequency attached by ClinVar (database versions not stated): gnomAD exomes 0.00057 and 0.00208; gnomAD 0.00071 and 0.00084; ESP Exome Variant Server 0.00008; ExAC 0.00175; 1000 Genomes Project 30x 0.00234; TOPMed 0.00105; 1000 Genomes Project 0.00280.

Submissions (12):

GeneDx
Classification: Likely pathogenic. Last evaluated: 2026-09-28. Review status: criteria provided, single submitter. Criteria: GeneDx Variant Classification Process June 2021. Collection method: clinical testing. Allele origin: germline.
Comment: In silico analysis supports that this missense variant has a deleterious effect on protein structure/function; This variant is associated with the following publications: (PMID: 34878701, 33932139, 31103801, 28944914, 31180159, 24312213, 30555066, 24449199, 29367877, 23401279, 24311251, 27657131, 29178643, 25629078, 34426522, 33034246, 24458874, 35537890, LiuH[article]2022, 34834569, 34184264, Ando2024[Article], 30526585, 24043634, 33329022, 35546689, 36143186, 37228816, 37005710, 38163170, 36832485, 38280992, 36071541, 36553094, 40857935, 40687612, 39685785, Kamaraj2025[article], 28265457, 39941240, 42689058)

PreventionGenetics, part of Exact Sciences
Classification: Likely pathogenic for WNT10A-related condition. Last evaluated: 2026-09-01. Review status: criteria provided, single submitter. Criteria: ACMG Guidelines, 2015. Collection method: clinical testing. Allele origin: germline.
Comment: The WNT10A c.637G>A variant is predicted to result in the amino acid substitution p.Gly213Ser. This variant has been reported to be in the compound heterozygous state with another variant in WNT10A; however, the trans phase was not confirmed (Plaisancié et al. 2013. PubMed ID: 23401279; Table S1, Song et al. 2013. PubMed ID: 24043634). This variant has also been reported in the presence of a pathogenic variant in EDA in two unrelated children with mild ectodermal dysplasia or tooth agenesis (He et al. 2013. PubMed ID: 24312213). It has been reported in patients and in normal control populations (Song et al. 2013. PubMed ID: 24043634). Protein structure analysis predicts an effect on secondary structure and hydrophobic binding properties (He et al. 2013. PubMed ID: 24312213; Liu et al. 2024. PubMed ID: 38280992). This variant is reported in 2.8% of alleles in individuals of East Asian descent in gnomAD, including 14 homozygous individuals. This variant has conflicting interpretations in ClinVar ranging from benign to pathogenic (Variation ID: 139576). Taken together, we classify this variant as likely pathogenic for autosomal recessive disease. Heterozygous individuals may be unaffected or may exhibit mild features due to reduced penetrance and variable expressivity.

Labcorp Genetics (formerly Invitae), Labcorp
Classification: Benign for Tooth agenesis, selective, 4; Odonto-onycho-dermal dysplasia. Last evaluated: 2026-01-22. Review status: criteria provided, single submitter. Criteria: Invitae Variant Classification Sherloc (09022015). Collection method: clinical testing. Allele origin: germline.

Illumina Laboratory Services, Illumina
Classification: Likely benign for Tooth agenesis, selective, 4. Last evaluated: 2018-01-13. Review status: criteria provided, single submitter. Criteria: ICSL Variant Classification Criteria 13 December 2019. Collection method: clinical testing. Allele origin: germline.
Comment: This variant was observed in the ICSL laboratory as part of a predisposition screen in an ostensibly healthy population. It had not been previously curated by ICSL or reported in the Human Gene Mutation Database (HGMD: prior to June 1st, 2018), and was therefore a candidate for classification through an automated scoring system. Utilizing variant allele frequency, disease prevalence and penetrance estimates, and inheritance mode, an automated score was calculated to assess if this variant is too frequent to cause the disease. Based on the score and internal cut-off values, a variant classified as likely benign is not then subjected to further curation. The score for this variant resulted in a classification of likely benign for this disease.

Illumina Laboratory Services, Illumina
Classification: Benign for Schöpf-Schulz-Passarge syndrome. Last evaluated: 2018-01-13. Review status: criteria provided, single submitter. Criteria: ICSL Variant Classification Criteria 13 December 2019. Collection method: clinical testing. Allele origin: germline.
Comment: This variant was observed in the ICSL laboratory as part of a predisposition screen in an ostensibly healthy population. It had not been previously curated by ICSL or reported in the Human Gene Mutation Database (HGMD: prior to June 1st, 2018), and was therefore a candidate for classification through an automated scoring system. Utilizing variant allele frequency, disease prevalence and penetrance estimates, and inheritance mode, an automated score was calculated to assess if this variant is too frequent to cause the disease. Based on the score and internal cut-off values, a variant classified as benign is not then subjected to further curation. The score for this variant resulted in a classification of benign for this disease.

Illumina Laboratory Services, Illumina
Classification: Benign for Odonto-onycho-dermal dysplasia. Last evaluated: 2018-01-13. Review status: criteria provided, single submitter. Criteria: ICSL Variant Classification Criteria 13 December 2019. Collection method: clinical testing. Allele origin: germline.
Comment: the same text as in the submission from Illumina Laboratory Services, Illumina above.

Soonchunhyang University Bucheon Hospital, Soonchunhyang University Medical Center
Classification: Uncertain significance for Odonto-onycho-dermal dysplasia; Tooth agenesis, selective, 4. Last evaluated: 2016-03-18. Review status: criteria provided, single submitter. Criteria: ACMG Guidelines, 2015. Collection method: reference population. Allele origin: germline. Observed: 2 variant alleles.

Stomatology Center, Xiangya Hospital, Central South University
Classification: Pathogenic for Tooth agenesis, selective, 2. Review status: criteria provided, single submitter. Criteria: ACMG Guidelines, 2015. Collection method: research. Allele origin: maternal. Inheritance: Autosomal dominant inheritance. Affected: yes. Observed: 1 heterozygote.
Comment: We used whole exome sequencing to compare tooth loss gene loci between two brothers with hypophidrotic ectodermal dysplasia (HED), analyze the difference of tooth loss phenotype, and explore its mechanism. Prediction of secondary and tertiary structures of the WNT10A variants (p. R171C, p.G213S) indicated the impaired function of the molecule. The elder brothers have a more severe tooth loss phenotype than younger brothers. It has been reported that eda c.878T>G mutation caused HED (PMID: 30526585).

Yale Center for Mendelian Genomics, Yale University
Classification: Uncertain significance for Tooth agenesis. Last evaluated: 2014-09-15. Review status: no assertion criteria provided. Collection method: literature only. Allele origin: germline. Affected: yes. Observed: 2 heterozygotes, 2 compound heterozygotes. Not counted in ClinVar's aggregate classification.

OMIM
Classification: Pathogenic for TOOTH AGENESIS, SELECTIVE, 4. Last evaluated: 2014-02-01. Review status: no assertion criteria provided. Collection method: literature only. Allele origin: germline. Not counted in ClinVar's aggregate classification.

Department of Second Dental Center, Ninth People’s Hospital, Shanghai Jiao Tong University School of Medicine
Classification: Uncertain significance for Tooth agenesis, selective, 4. Review status: no assertion criteria provided. Collection method: clinical testing. Allele origin: inherited. Affected: yes. Not counted in ClinVar's aggregate classification.

Department of Second Dental Center, Ninth People’s Hospital, Shanghai Jiao Tong University School of Medicine
Classification: Uncertain significance for Odonto-onycho-dermal dysplasia. Review status: no assertion criteria provided. Collection method: clinical testing. Allele origin: inherited. Inheritance: Autosomal recessive inheritance. Affected: yes. Not counted in ClinVar's aggregate classification.

Literature cited by the submitters: PubMed 23401279 (cited by Soonchunhyang University Bucheon Hospital, Soonchunhyang University Medical Center); PubMed 24312213 (cited by Soonchunhyang University Bucheon Hospital, Soonchunhyang University Medical Center); PubMed 24043634 (cited by Soonchunhyang University Bucheon Hospital, Soonchunhyang University Medical Center); PubMed 30526585 (cited by Stomatology Center, Xiangya Hospital, Central South University); PubMed 25629078 (cited by Yale Center for Mendelian Genomics, Yale University); PubMed 24311251 (cited by OMIM); PubMed 36071541 (cited by Department of Second Dental Center, Ninth People’s Hospital, Shanghai Jiao Tong University School of Medicine).